The following is an entry in ClinVar:

ClinVar aggregate classification (germline): Conflicting classifications of pathogenicity. Review status: criteria provided, conflicting classifications (1 of 4 stars). 3 submissions from 3 submitters: Likely pathogenic (1); Uncertain significance (1). 1 of the submissions does not count toward it. Last evaluated 2024-06-14.

Conditions:
TSPAN12-related disorder. Also called: TSPAN12-related condition.
Exudative vitreoretinopathy 5 (EVR5). Identifiers: Orphanet 891, MedGen C2750079, MONDO:0013218, OMIM 613310.

Allele frequency attached by ClinVar (database versions not stated): TOPMed below 0.00001; gnomAD 0.00001; gnomAD exomes 0.00001.
gnomAD v4.1: 16 of 1,613,380 alleles (0.00099%); highest among the groups gnomAD compares: Non-Finnish European, 0.0014%; no homozygotes.

Submissions (3):

Blueprint Genetics
Classification: Likely pathogenic for TSPAN12-related disorders. Last evaluated: 2024-06-14. Review status: criteria provided, single submitter. Criteria: ACMG Guidelines, 2015. Collection method: clinical testing. Allele origin: germline. Affected: yes. Observed: 4 variant alleles.

Labcorp Genetics (formerly Invitae), Labcorp
Classification: Uncertain significance. Last evaluated: 2022-04-17. Review status: criteria provided, single submitter. Criteria: Invitae Variant Classification Sherloc (09022015). Collection method: clinical testing. Allele origin: germline.
Comment: In summary, the available evidence is currently insufficient to determine the role of this variant in disease. Therefore, it has been classified as a Variant of Uncertain Significance. Algorithms developed to predict the effect of missense changes on protein structure and function (SIFT, PolyPhen-2, Align-GVGD) all suggest that this variant is likely to be disruptive. ClinVar contains an entry for this variant (Variation ID: 320). This missense change has been observed in individual(s) with familial exudative vitreoretinopathy (PMID: 20159111). This variant is present in population databases (rs267607151, gnomAD 0.002%). This sequence change replaces glycine, which is neutral and non-polar, with arginine, which is basic and polar, at codon 188 of the TSPAN12 protein (p.Gly188Arg).

OMIM
Classification: Pathogenic for EXUDATIVE VITREORETINOPATHY 5. Last evaluated: 2010-02-12. Review status: no assertion criteria provided. Collection method: literature only. Allele origin: germline. Not counted in ClinVar's aggregate classification.

Literature cited by the submitters: PubMed 20159111 (cited by Labcorp Genetics (formerly Invitae), Labcorp and OMIM).

NM_012338.4(TSPAN12):c.562G>C (p.Gly188Arg)

Gene: TSPAN12 (tetraspanin 12; minus strand). Cytogenetic location: 7q31.31.
Variant type: single nucleotide variant.
Coding change: c.562G>C on transcript NM_012338.4 (MANE Select); coding-DNA position 562, G replaced by C.
Protein change: p.Gly188Arg; replaces glycine 188 with arginine.
Molecular consequence: missense variant.
Genome position (GRCh38, 1-based): chr7:120,806,599, C>G on the plus strand (G>C on the coding strand, the complement: TSPAN12 is on the minus strand). VCF-style: chr7-120806599-C-G. GRCh37 (hg19) VCF-style: chr7-120446653-C-G.
Other names: short protein forms G188R.
Identifiers: ClinVar variation 320 (VCV000000320.6), dbSNP rs267607151, ClinGen allele CA251421.